The following is an entry in ClinVar:

ClinVar aggregate classification (germline): Uncertain significance (1 of 4 stars; one submission).

Submission:

Biesecker Lab/Clinical Genomics Section, National Institutes of Health
Classification: Uncertain significance. Last evaluated: 2013-06-24. Review status: criteria provided, single submitter. Criteria: Ng et al. (Circ Cardiovasc Genet. 2013). Collection method: research. Allele origin: unknown. Observed: 1 variant allele. Study: ClinSeq.
Comment: The study set was not selected for affection status in relation to any cancer. Pathogenicity categories were based on literature curation. See Pubmed ID:23861362 for details.

Medical sequencing

NM_001267550.2(TTN):c.96037G>C (p.Asp32013His)

Genes: TTN (titin; minus strand), TTN-AS1 (TTN antisense RNA 1; plus strand). Cytogenetic location: 2q31.2.
Variant type: single nucleotide variant.
Coding change: c.96037G>C on transcript NM_001267550.2 (MANE Select); coding-DNA position 96037, G replaced by C.
Protein change: p.Asp32013His; replaces aspartic acid 32013 with histidine.
Molecular consequence: missense variant.
Genome position (GRCh38, 1-based): chr2:178,544,107, C>G on the plus strand (G>C on the coding strand, the complement: TTN is on the minus strand). VCF-style: chr2-178544107-C-G. GRCh37 (hg19) VCF-style: chr2-179408834-C-G.
Other names: c.91114G>C, p.Asp30372His (NM_001256850.1); c.68842G>C, p.Asp22948His (NM_003319.4); c.88333G>C, p.Asp29445His (NM_133378.4); c.69217G>C, p.Asp23073His (NM_133432.3); c.69418G>C, p.Asp23140His (NM_133437.4); short protein forms D29445H, D32013H, D23140H, D22948H, D30372H, D23073H.
Identifiers: ClinVar variation 191843 (VCV000191843.1), dbSNP rs201349962, ClinGen allele CA237680.